The following is an entry in ClinVar:

ClinVar aggregate classification (germline): Conflicting classifications of pathogenicity. Review status: criteria provided, conflicting classifications (1 of 4 stars). 2 submissions from 2 submitters: Uncertain significance (1); Likely benign (1). Last evaluated 2022-03-01.

Conditions:
Retinitis pigmentosa 59 (RP59). Identifiers: Orphanet 791, MedGen C3151227, MONDO:0013468, OMIM 613861.

gnomAD v4.1: 36 of 1,614,014 alleles (0.0022%); highest among the groups gnomAD compares: South Asian, 0.021%; 1 homozygote.

Submissions (2):

CeGaT Center for Human Genetics Tuebingen
Classification: Likely benign. Last evaluated: 2022-03-01. Review status: criteria provided, single submitter. Criteria: CeGaT Center For Human Genetics Tuebingen Variant Classification Criteria Version 2. Collection method: clinical testing. Allele origin: germline. Affected: yes. Observed: 1 variant allele.
Comment: DHDDS: BP4

Labcorp Genetics (formerly Invitae), Labcorp
Classification: Uncertain significance for Retinitis pigmentosa 59. Last evaluated: 2022-02-05. Review status: criteria provided, single submitter. Criteria: Invitae Variant Classification Sherloc (09022015). Collection method: clinical testing. Allele origin: germline.
Comment: This sequence change replaces arginine, which is basic and polar, with histidine, which is basic and polar, at codon 299 of the DHDDS protein (p.Arg299His). This variant is present in population databases (rs778103040, gnomAD 0.03%), including at least one homozygous and/or hemizygous individual. This variant has not been reported in the literature in individuals affected with DHDDS-related conditions. Algorithms developed to predict the effect of missense changes on protein structure and function output the following: SIFT: "Tolerated"; PolyPhen-2: "Benign"; Align-GVGD: "Class C0". The histidine amino acid residue is found in multiple mammalian species, which suggests that this missense change does not adversely affect protein function. In summary, the available evidence is currently insufficient to determine the role of this variant in disease. Therefore, it has been classified as a Variant of Uncertain Significance.

NM_205861.3(DHDDS):c.893G>A (p.Arg298His)

Gene: DHDDS (dehydrodolichyl diphosphate synthase subunit; plus strand). Cytogenetic location: 1p36.11.
Variant type: single nucleotide variant.
Coding change: c.893G>A on transcript NM_205861.3 (MANE Select); coding-DNA position 893, G replaced by A.
Protein change: p.Arg298His; replaces arginine 298 with histidine.
Molecular consequence: missense variant.
Genome position (GRCh38, 1-based): chr1:26,469,022, G>A. VCF-style: chr1-26469022-G-A. GRCh37 (hg19) VCF-style: chr1-26795513-G-A.
Other names: c.791G>A, p.Arg264His (NM_001243564.2); c.776G>A, p.Arg259His (NM_001243565.2); c.614G>A, p.Arg205His (NM_001319959.2); c.896G>A, p.Arg299His (NM_024887.4); short protein forms R205H, R299H, R298H, R259H, R264H.
Identifiers: ClinVar variation 2176241 (VCV002176241.25), dbSNP rs778103040, ClinGen allele CA705482.